The following is an entry in ClinVar:

NM_001382273.1(TNK2):c.405T>C (p.Gly135=)

Gene: TNK2 (tyrosine kinase non receptor 2; minus strand). Cytogenetic location: 3q29.
Variant type: single nucleotide variant.
Coding change: c.405T>C on transcript NM_001382273.1 (MANE Select); coding-DNA position 405, T replaced by C.
Protein change: p.Gly135=; no amino-acid change (glycine 135 retained).
Molecular consequence: synonymous variant. On other transcripts: non-coding transcript variant (15).
Genome position (GRCh38, 1-based): chr3:195,884,863, A>G on the plus strand (T>C on the coding strand, the complement: TNK2 is on the minus strand). VCF-style: chr3-195884863-A-G. GRCh37 (hg19) VCF-style: chr3-195611734-A-G.
Other names: c.477T>C, p.Gly159= (NM_001010938.2, NM_001382272.1, NM_001387708.1 and 1 more transcripts); c.501T>C, p.Gly167= (NM_001308046.2, NM_001382271.1, NM_001382275.1 and 1 more transcripts); c.405T>C, p.Gly135= (NM_001382274.1, NM_001386164.1, NM_001387709.1 and 12 more transcripts).
Identifiers: ClinVar variation 425321 (VCV000425321.48), dbSNP rs149257266, ClinGen allele CA2776873.
Genomic context (GRCh38, chr3:195,884,863, plus strand): 5'-AGAGCTCACCGTCTTCCCTGAGGGCGCGTCCCACTCGCCCCTGCGCACCACGCCAAAGGA[A>G]CCATCACCCAGCTTCTCCAGGAGGCGCAGGTCCTTCTCCCCAATGAGGCAGGTGAGGCTC-3'
Protein context (NP_001369202.1, residues 125-145): DLRLLEKLGD[Gly135=]SFGVVRRGEW

ClinVar aggregate classification (germline): Conflicting classifications of pathogenicity. Review status: criteria provided, conflicting classifications (1 of 4 stars). 3 submissions from 3 submitters: Uncertain significance (1); Benign (1); Likely benign (1). Last evaluated 2025-11-27.

Allele frequency attached by ClinVar (database versions not stated): 1000 Genomes Project 30x 0.00094; 1000 Genomes Project 0.00120; gnomAD 0.00233 and 0.00238; TOPMed 0.00246; ESP Exome Variant Server 0.00254; gnomAD exomes 0.00263; ExAC 0.00327.
gnomAD v4.1: 5,904 of 1,613,632 alleles (0.37%); highest among the groups gnomAD compares: Non-Finnish European, 0.47%; 15 homozygotes.

Submissions (3):

Labcorp Genetics (formerly Invitae), Labcorp
Classification: Benign. Last evaluated: 2025-11-27. Review status: criteria provided, single submitter. Criteria: Invitae Variant Classification Sherloc (09022015). Collection method: clinical testing. Allele origin: germline.

CeGaT Center for Human Genetics Tuebingen
Classification: Likely benign. Last evaluated: 2023-02-01. Review status: criteria provided, single submitter. Criteria: CeGaT Center For Human Genetics Tuebingen Variant Classification Criteria Version 2. Collection method: clinical testing. Allele origin: germline. Affected: yes. Observed: 2 variant alleles.
Comment: TNK2: BP4, BP7

Breakthrough Genomics
Classification: Uncertain significance. Review status: criteria provided, single submitter. Criteria: ACMG Guidelines, 2015. Collection method: not provided. Allele origin: germline. Inheritance: Unknown mechanism. Affected: yes.